The following is an entry in ClinVar:

ClinVar aggregate classification (germline): Uncertain significance (1 of 4 stars; one submission).

Conditions:
Familial infantile myasthenia (CMS6). Also called: MYASTHENIC SYNDROME, CONGENITAL, 6, PRESYNAPTIC; MYASTHENIC SYNDROME, PRESYNAPTIC, CONGENITAL, ASSOCIATED WITH EPISODIC APNEA; Congenital myasthenic syndrome type 6. Identifiers: Orphanet 590, MedGen C0393929, MONDO:0009689, OMIM 254210.

Submission:

Labcorp Genetics (formerly Invitae), Labcorp
Classification: Uncertain significance for Familial infantile myasthenia. Last evaluated: 2023-02-11. Review status: criteria provided, single submitter. Criteria: Invitae Variant Classification Sherloc (09022015). Collection method: clinical testing. Allele origin: germline.
Comment: In summary, the available evidence is currently insufficient to determine the role of this variant in disease. Therefore, it has been classified as a Variant of Uncertain Significance. Advanced modeling of protein sequence and biophysical properties (such as structural, functional, and spatial information, amino acid conservation, physicochemical variation, residue mobility, and thermodynamic stability) performed at Invitae indicates that this missense variant is expected to disrupt CHAT protein function. This variant has not been reported in the literature in individuals affected with CHAT-related conditions. This variant is not present in population databases (gnomAD no frequency). This sequence change replaces aspartic acid, which is acidic and polar, with glutamic acid, which is acidic and polar, at codon 621 of the CHAT protein (p.Asp621Glu).

NM_020549.5(CHAT):c.1863C>A (p.Asp621Glu)

Gene: CHAT (choline O-acetyltransferase; plus strand). Cytogenetic location: 10q11.23.
Variant type: single nucleotide variant.
Coding change: c.1863C>A on transcript NM_020549.5 (MANE Select); coding-DNA position 1863, C replaced by A.
Protein change: p.Asp621Glu; replaces aspartic acid 621 with glutamic acid.
Molecular consequence: missense variant.
Genome position (GRCh38, 1-based): chr10:49,662,668, C>A. VCF-style: chr10-49662668-C-A. GRCh37 (hg19) VCF-style: chr10-50870714-C-A.
Other names: c.1509C>A, p.Asp503Glu (NM_001142929.2, NM_001142934.2, NM_020984.4 and 2 more transcripts); c.1617C>A, p.Asp539Glu (NM_001142933.2); short protein forms D539E, D621E, D503E.
Identifiers: ClinVar variation 2954615 (VCV002954615.3), dbSNP rs1590628381, ClinGen allele CA376711402.